The following is an entry in ClinVar:

ClinVar aggregate classification (germline): Uncertain significance. Review status: criteria provided, multiple submitters, no conflicts (2 of 4 stars). 2 submissions from 2 submitters: Uncertain significance (2). Last evaluated 2024-08-07.

Conditions:
Hereditary cancer-predisposing syndrome. Also called: Neoplastic Syndromes, Hereditary; Hereditary Cancer Syndrome; Tumor predisposition; Hereditary neoplastic syndrome. Identifiers: Orphanet 140162, MedGen C0027672, MeSH D009386, MONDO:0015356.
Gorlin syndrome. Also called: Nevoid Basal Cell Carcinoma Syndrome; Basal cell nevus syndrome. Identifiers: Orphanet 377, MedGen C0004779, MONDO:0007187.

gnomAD v4.1: 1 of 1,614,224 alleles (0.000062%); highest among the groups gnomAD compares: Non-Finnish European, 0.000085%; no homozygotes.

Submissions (2):

Labcorp Genetics (formerly Invitae), Labcorp
Classification: Uncertain significance for Gorlin syndrome. Last evaluated: 2024-08-07. Review status: criteria provided, single submitter. Criteria: Invitae Variant Classification Sherloc (09022015). Collection method: clinical testing. Allele origin: germline.
Comment: This sequence change replaces tyrosine, which is neutral and polar, with cysteine, which is neutral and slightly polar, at codon 934 of the PTCH1 protein (p.Tyr934Cys). This variant is not present in population databases (gnomAD no frequency). This variant has not been reported in the literature in individuals affected with PTCH1-related conditions. ClinVar contains an entry for this variant (Variation ID: 2564369). Advanced modeling of protein sequence and biophysical properties (such as structural, functional, and spatial information, amino acid conservation, physicochemical variation, residue mobility, and thermodynamic stability) has been performed at Invitae for this missense variant, however the output from this modeling did not meet the statistical confidence thresholds required to predict the impact of this variant on PTCH1 protein function. In summary, the available evidence is currently insufficient to determine the role of this variant in disease. Therefore, it has been classified as a Variant of Uncertain Significance.

Ambry Genetics
Classification: Uncertain significance for Hereditary cancer-predisposing syndrome. Last evaluated: 2023-04-01. Review status: criteria provided, single submitter. Criteria: Ambry Variant Classification Scheme 2023. Collection method: clinical testing. Allele origin: germline.
Comment: The p.Y934C variant (also known as c.2801A>G), located in coding exon 17 of the PTCH1 gene, results from an A to G substitution at nucleotide position 2801. The tyrosine at codon 934 is replaced by cysteine, an amino acid with highly dissimilar properties. This amino acid position is conserved. In addition, this alteration is predicted to be deleterious by in silico analysis. Since supporting evidence is limited at this time, the clinical significance of this alteration remains unclear.

NM_000264.5(PTCH1):c.2801A>G (p.Tyr934Cys)

Gene: PTCH1 (patched 1; minus strand). Cytogenetic location: 9q22.32.
Variant type: single nucleotide variant.
Coding change: c.2801A>G on transcript NM_000264.5 (MANE Select); coding-DNA position 2801, A replaced by G.
Protein change: p.Tyr934Cys; replaces tyrosine 934 with cysteine.
Molecular consequence: missense variant. On other transcripts: non-coding transcript variant (1).
Genome position (GRCh38, 1-based): chr9:95,459,686, T>C on the plus strand (A>G on the coding strand, the complement: PTCH1 is on the minus strand). VCF-style: chr9-95459686-T-C. GRCh37 (hg19) VCF-style: chr9-98221968-T-C.
Other names: c.2603A>G, p.Tyr868Cys (NM_001083602.3); c.2798A>G, p.Tyr933Cys (NM_001083603.3); c.2348A>G, p.Tyr783Cys (NM_001083604.3, NM_001083605.3, NM_001083606.3 and 1 more transcripts); c.2645A>G, p.Tyr882Cys (NM_001354918.2); short protein forms Y783C, Y882C, Y933C, Y868C, Y934C.
Identifiers: ClinVar variation 2564369 (VCV002564369.4), dbSNP rs1209943415, ClinGen allele CA374113051.